The following is an entry in ClinVar:

ClinVar aggregate classification (germline): Uncertain significance. Review status: criteria provided, multiple submitters, no conflicts (2 of 4 stars). 2 submissions from 2 submitters: Uncertain significance (2). Last evaluated 2025-02-15.

Conditions:
Inborn genetic diseases. Identifiers: MedGen C0950123, MeSH D030342.
Autoimmune lymphoproliferative syndrome, type III caused by mutation in PRKCD. Identifiers: Orphanet 3261, Orphanet 664711, MedGen C3809928, MONDO:8000024, OMIM 615559.

Allele frequency attached by ClinVar (database versions not stated): ExAC 0.00001; gnomAD 0.00001; TOPMed 0.00001; gnomAD exomes 0.00002; ESP Exome Variant Server 0.00015.
gnomAD v4.1: 42 of 1,613,674 alleles (0.0026%); highest among the groups gnomAD compares: Non-Finnish European, 0.0031%; no homozygotes.

Submissions (2):

Ambry Genetics
Classification: Uncertain significance for Inborn genetic diseases. Last evaluated: 2025-02-15. Review status: criteria provided, single submitter. Criteria: Ambry Variant Classification Scheme 2023. Collection method: clinical testing. Allele origin: germline.

Labcorp Genetics (formerly Invitae), Labcorp
Classification: Uncertain significance for Autoimmune lymphoproliferative syndrome, type III caused by mutation in PRKCD. Last evaluated: 2021-01-19. Review status: criteria provided, single submitter. Criteria: Invitae Variant Classification Sherloc (09022015). Collection method: clinical testing. Allele origin: germline.
Comment: In summary, the available evidence is currently insufficient to determine the role of this variant in disease. Therefore, it has been classified as a Variant of Uncertain Significance. Algorithms developed to predict the effect of missense changes on protein structure and function are either unavailable or do not agree on the potential impact of this missense change (SIFT: "Deleterious"; PolyPhen-2: "Benign"; Align-GVGD: "Class C0"). This variant has not been reported in the literature in individuals with PRKCD-related conditions. This variant is present in population databases (rs373245386, ExAC 0.002%). This sequence change replaces glycine with serine at codon 265 of the PRKCD protein (p.Gly265Ser). The glycine residue is highly conserved and there is a small physicochemical difference between glycine and serine.

NM_006254.4(PRKCD):c.793G>A (p.Gly265Ser)

Gene: PRKCD (protein kinase C delta; plus strand). Cytogenetic location: 3p21.1.
Variant type: single nucleotide variant.
Coding change: c.793G>A on transcript NM_006254.4 (MANE Select); coding-DNA position 793, G replaced by A.
Protein change: p.Gly265Ser; replaces glycine 265 with serine.
Molecular consequence: missense variant.
Genome position (GRCh38, 1-based): chr3:53,184,879, G>A. VCF-style: chr3-53184879-G-A. GRCh37 (hg19) VCF-style: chr3-53218895-G-A.
Other names: c.793G>A, p.Gly265Ser (NM_001316327.2, NM_001354679.2, NM_001354680.2 and 1 more transcripts); c.850G>A, p.Gly284Ser (NM_001354676.2); c.841G>A, p.Gly281Ser (NM_001354678.2); c.793G>A (NM_006254.3); short protein forms G265S, G281S, G284S.
Identifiers: ClinVar variation 1422071 (VCV001422071.7), dbSNP rs373245386, ClinGen allele CA2451979.